The following is an entry in ClinVar:

NM_001844.5(COL2A1):c.908G>A (p.Gly303Asp)

Gene: COL2A1 (collagen type II alpha 1 chain; minus strand). Cytogenetic location: 12q13.11.
Variant type: single nucleotide variant.
Coding change: c.908G>A on transcript NM_001844.5 (MANE Select); coding-DNA position 908, G replaced by A.
Protein change: p.Gly303Asp; replaces glycine 303 with aspartic acid.
Molecular consequence: missense variant.
Genome position (GRCh38, 1-based): chr12:47,993,825, C>T on the plus strand (G>A on the coding strand, the complement: COL2A1 is on the minus strand). VCF-style: chr12-47993825-C-T. GRCh37 (hg19) VCF-style: chr12-48387608-C-T.
Other names: G103D; c.701G>A, p.Gly234Asp (NM_033150.3); short protein forms G234D, G303D.
Identifiers: ClinVar variation 17370 (VCV000017370.11), dbSNP rs121912877, ClinGen allele CA127160.

ClinVar aggregate classification (germline): Pathogenic. Review status: criteria provided, multiple submitters, no conflicts (2 of 4 stars). 4 submissions from 4 submitters: Pathogenic (3). 1 of the submissions does not count toward it. Last evaluated 2026-01-09.

Conditions:
Stickler syndrome. Identifiers: Orphanet 828, MedGen C0265253, MONDO:0019354.
Kniest dysplasia. Identifiers: Orphanet 485, MedGen C0265279, MONDO:0007987, OMIM 156550.

Submissions (4):

Cambridge Genomics Laboratory, East Genomic Laboratory Hub, NHS Genomic Medicine Service
Classification: Pathogenic for Stickler syndrome. Last evaluated: 2026-01-09. Review status: criteria provided, single submitter. Criteria: ACGS Best Practice Guidelines for Variant Classification in Rare Disease 2020. Collection method: clinical testing. Allele origin: germline. Affected: yes.
Comment: PM1_Strong,PM2,PM6,PP3,PP4

Labcorp Genetics (formerly Invitae), Labcorp
Classification: Pathogenic. Last evaluated: 2025-02-27. Review status: criteria provided, single submitter. Criteria: Invitae Variant Classification Sherloc (09022015). Collection method: clinical testing. Allele origin: germline.
Comment: This sequence change replaces glycine, which is neutral and non-polar, with aspartic acid, which is acidic and polar, at codon 303 of the COL2A1 protein (p.Gly303Asp). This variant is not present in population databases (gnomAD no frequency). This missense change has been observed in individual(s) with Kniest dysplasia (PMID: 7874117). In at least one individual the variant was observed to be de novo. This variant is also known as G103D. ClinVar contains an entry for this variant (Variation ID: 17370). Invitae Evidence Modeling of protein sequence and biophysical properties (such as structural, functional, and spatial information, amino acid conservation, physicochemical variation, residue mobility, and thermodynamic stability) indicates that this missense variant is expected to disrupt COL2A1 protein function with a positive predictive value of 95%. This variant disrupts the triple helix domain of COL2A1. Glycine residues within the Gly-Xaa-Yaa repeats of the triple helix domain are required for the structure and stability of fibrillar collagens (PMID: 7695699, 8218237, 19344236). In COL2A1, variants affecting these glycine residues are significantly enriched in individuals with disease (PMID: 9016532, 17078022) compared to the general population (ExAC). For these reasons, this variant has been classified as Pathogenic.

Eurofins Ntd Llc (ga)
Classification: Pathogenic. Last evaluated: 2014-10-02. Review status: criteria provided, single submitter. Criteria: EGL Classification Definitions 2015. Collection method: clinical testing. Allele origin: germline. Observed: 1 variant allele, 1 heterozygote.

OMIM
Classification: Pathogenic for KNIEST DYSPLASIA. Last evaluated: 1994-11-01. Review status: no assertion criteria provided. Collection method: literature only. Allele origin: germline. Not counted in ClinVar's aggregate classification.

Literature cited by the submitters: PubMed 7874117 (cited by 3 submitters); PubMed 7695699 (cited by Labcorp Genetics (formerly Invitae), Labcorp); PubMed 8218237 (cited by Labcorp Genetics (formerly Invitae), Labcorp); PubMed 19344236 (cited by Labcorp Genetics (formerly Invitae), Labcorp); PubMed 9016532 (cited by Labcorp Genetics (formerly Invitae), Labcorp); PubMed 17078022 (cited by Labcorp Genetics (formerly Invitae), Labcorp).